The following is an entry in ClinVar:

ClinVar aggregate classification (germline): Uncertain significance (1 of 4 stars; one submission).

Allele frequency attached by ClinVar (database versions not stated): gnomAD exomes below 0.00001; gnomAD 0.00002; TOPMed 0.00002.
gnomAD v4.1: 8 of 1,613,914 alleles (0.0005%); highest among the groups gnomAD compares: Middle Eastern, 0.016%; no homozygotes.

Submission:

Labcorp Genetics (formerly Invitae), Labcorp
Classification: Uncertain significance. Last evaluated: 2025-10-24. Review status: criteria provided, single submitter. Criteria: Invitae Variant Classification Sherloc (09022015). Collection method: clinical testing. Allele origin: germline.
Comment: This sequence change replaces proline, which is neutral and non-polar, with leucine, which is neutral and non-polar, at codon 53 of the PPP2R5D protein (p.Pro53Leu). This variant is present in population databases (no rsID available, gnomAD 0.007%). This variant has not been reported in the literature in individuals affected with PPP2R5D-related conditions. ClinVar contains an entry for this variant (Variation ID: 1472345). An algorithm developed to predict the effect of missense changes on protein structure and function (PolyPhen-2) suggests that this variant is likely to be tolerated. In summary, the available evidence is currently insufficient to determine the role of this variant in disease. Therefore, it has been classified as a Variant of Uncertain Significance.

NM_006245.4(PPP2R5D):c.158C>T (p.Pro53Leu)

Gene: PPP2R5D (protein phosphatase 2 regulatory subunit B'delta; plus strand). Cytogenetic location: 6p21.1.
Variant type: single nucleotide variant.
Coding change: c.158C>T on transcript NM_006245.4 (MANE Select); coding-DNA position 158, C replaced by T.
Protein change: p.Pro53Leu; replaces proline 53 with leucine.
Molecular consequence: missense variant. On other transcripts: 5 prime UTR variant (1), intron variant (1).
Genome position (GRCh38, 1-based): chr6:43,006,515, C>T. VCF-style: chr6-43006515-C-T. GRCh37 (hg19) VCF-style: chr6-42974253-C-T.
Other names: c.-296C>T (NM_001270476.2); c.158C>T, p.Pro53Leu (NM_180976.3); c.28-419C>T (NM_180977.3); short protein forms P53L.
Identifiers: ClinVar variation 1472345 (VCV001472345.6), dbSNP rs1421653493, ClinGen allele CA364179040.